The following is an entry in ClinVar:

NM_032043.3(BRIP1):c.1274T>C (p.Met425Thr)

Gene: BRIP1 (BRCA1 interacting DNA helicase 1; minus strand). Cytogenetic location: 17q23.2.
Variant type: single nucleotide variant.
Coding change: c.1274T>C on transcript NM_032043.3 (MANE Select); coding-DNA position 1274, T replaced by C.
Protein change: p.Met425Thr; replaces methionine 425 with threonine.
Molecular consequence: missense variant.
Genome position (GRCh38, 1-based): chr17:61,799,166, A>G on the plus strand (T>C on the coding strand, the complement: BRIP1 is on the minus strand). VCF-style: chr17-61799166-A-G. GRCh37 (hg19) VCF-style: chr17-59876527-A-G.
Other names: short protein forms M425T.
Identifiers: ClinVar variation 2096821 (VCV002096821.5), dbSNP rs1555607090, ClinGen allele CA400483552.

ClinVar aggregate classification (germline): Uncertain significance. Review status: criteria provided, multiple submitters, no conflicts (2 of 4 stars). 2 submissions from 2 submitters: Uncertain significance (2). Last evaluated 2026-02-02.

Conditions:
Hereditary cancer-predisposing syndrome. Also called: Tumor predisposition; Neoplastic Syndromes, Hereditary; Hereditary neoplastic syndrome; Hereditary Cancer Syndrome. Identifiers: Orphanet 140162, MedGen C0027672, MeSH D009386, MONDO:0015356.
Familial cancer of breast. Also called: hereditary breast carcinoma; Hereditary breast cancer; BREAST CANCER, FAMILIAL. Identifiers: Orphanet 227535, MedGen C0346153, MONDO:0016419, OMIM 114480. Disease mechanism: loss of function.
Fanconi anemia complementation group J. Also called: BRIP1-Related Fanconi Anemia. Identifiers: Orphanet 84, MedGen C1836860, MONDO:0012187, OMIM 609054.

Submissions (2):

Labcorp Genetics (formerly Invitae), Labcorp
Classification: Uncertain significance for Familial cancer of breast; Fanconi anemia complementation group J. Last evaluated: 2026-02-02. Review status: criteria provided, single submitter. Criteria: Invitae Variant Classification Sherloc (09022015). Collection method: clinical testing. Allele origin: germline.
Comment: This sequence change replaces methionine, which is neutral and non-polar, with threonine, which is neutral and polar, at codon 425 of the BRIP1 protein (p.Met425Thr). This variant is not present in population databases (gnomAD no frequency). This variant has not been reported in the literature in individuals affected with BRIP1-related conditions. ClinVar contains an entry for this variant (Variation ID: 2096821). Invitae Evidence Modeling of protein sequence and biophysical properties (such as structural, functional, and spatial information, amino acid conservation, physicochemical variation, residue mobility, and thermodynamic stability) indicates that this missense variant is not expected to disrupt BRIP1 protein function with a negative predictive value of 95%. In summary, the available evidence is currently insufficient to determine the role of this variant in disease. Therefore, it has been classified as a Variant of Uncertain Significance.

Ambry Genetics
Classification: Uncertain significance for Hereditary cancer-predisposing syndrome. Last evaluated: 2023-10-27. Review status: criteria provided, single submitter. Criteria: Ambry Variant Classification Scheme 2023. Collection method: clinical testing. Allele origin: germline.
Comment: The p.M425T variant (also known as c.1274T>C), located in coding exon 8 of the BRIP1 gene, results from a T to C substitution at nucleotide position 1274. The methionine at codon 425 is replaced by threonine, an amino acid with similar properties. This amino acid position is conserved. In addition, the in silico prediction for this alteration is inconclusive. Since supporting evidence is limited at this time, the clinical significance of this alteration remains unclear.